The following is an entry in ClinVar:

NM_000099.4(CST3):c.179A>G (p.Tyr60Cys)

Genes: CST3 (cystatin C; minus strand), LOC130065546 (ATAC-STARR-seq lymphoblastoid silent region 12733; plus strand). Cytogenetic location: 20p11.21.
Variant type: single nucleotide variant.
Coding change: c.179A>G on transcript NM_000099.4 (MANE Select); coding-DNA position 179, A replaced by G.
Protein change: p.Tyr60Cys; replaces tyrosine 60 with cysteine.
Molecular consequence: missense variant.
Genome position (GRCh38, 1-based): chr20:23,637,684, T>C on the plus strand (A>G on the coding strand, the complement: CST3 is on the minus strand). VCF-style: chr20-23637684-T-C. GRCh37 (hg19) VCF-style: chr20-23618321-T-C.
Other names: c.179A>G, p.Tyr60Cys (NM_001288614.2); short protein forms Y60C.
Identifiers: ClinVar variation 5017833 (VCV005017833.1).

ClinVar aggregate classification (germline): Uncertain significance (1 of 4 stars; one submission).

Submission:

GeneDx
Classification: Uncertain significance. Last evaluated: 2026-03-28. Review status: criteria provided, single submitter. Criteria: GeneDx Variant Classification Process June 2021. Collection method: clinical testing. Allele origin: germline.
Comment: Not observed at significant frequency in large population cohorts (gnomAD); In silico analysis supports that this missense variant has a deleterious effect on protein structure/function; Has not been previously published as pathogenic or benign to our knowledge